The following continues an entry in ClinVar:

NM_000051.4(ATM):c.146C>G (p.Ser49Cys)

Gene: ATM. ClinVar aggregate classification (germline): Benign. Benign (1).

Submissions 19 to 38 of 38:

Women's Health and Genetics/Laboratory Corporation of America, LabCorp
Classification: Benign. Last evaluated: 2018-02-16. Review status: criteria provided, single submitter. Criteria: LabCorp Variant Classification Summary - May 2015. Collection method: clinical testing. Allele origin: germline. Not counted in ClinVar's aggregate classification.
Comment: Variant summary: ATM c.146C>G (p.Ser49Cys) results in a non-conservative amino acid change located in the Telomere-length maintenance and DNA damage repair domain of the encoded protein sequence. Three of five in-silico tools predict a damaging effect of the variant on protein function. The variant allele was found at a frequency of 0.0072 in 277324 control chromosomes, predominantly within the Non-Finnish European subpopulation at a frequency of 0.013 in the gnomAD database, including 10 homozygotes. The observed variant frequency within Non-Finnish European control individuals in the gnomAD database is approximately 13 fold above the estimated maximal expected allele frequency for a pathogenic variant in ATM causing Breast Cancer phenotype (0.001). The allele frequency of this variant in a cohort of individuals who are cancer-free and older than 70 years is 0.025 (185/7325), which is even higher than the allele frequency in the general controls (gnomAD Non-Finnish European, 0.013). These data strongly suggest that the variant is a benign polymorphism found primarily in populations of Non-Finnish European origin. The c.146C>G variant has been reported in the literature in individuals affected with Breast Cancer, though one study reported a lack of cosegregation of the variant with disease in two family members of a proband (Allinen_2002). These report(s) do not provide unequivocal conclusions about association of the variant with Breast Cancer. One publication reports experimental evidence evaluating an impact on protein function, however, does not allow convincing conclusions about the variant effect. A case control study seeking to evaluate whether the variant increases the risk of breast cancer raised the possibility that the variant may be a breast cancer susceptibility allele (Stredrick_2006). However, a much larger cohort from Fletcher_2012 failed to prove the same. Seven clinical diagnostic laboratories have submitted clinical-significance assessments for this variant to ClinVar after 2014 without evidence for independent evaluation, and all classified the variant as benign/likely benign. Based on the evidence outlined above, the variant was classified as benign.

Illumina Laboratory Services, Illumina
Classification: Benign for Ataxia-telangiectasia syndrome. Last evaluated: 2017-04-27. Review status: criteria provided, single submitter. Criteria: ICSL Variant Classification Criteria 13 December 2019. Collection method: clinical testing. Allele origin: germline. Not counted in ClinVar's aggregate classification.
Comment: This variant was observed as part of a predisposition screen in an ostensibly healthy population. A literature search was performed for the gene, cDNA change, and amino acid change (where applicable). No publications were found based on this search. Allele frequency data from public databases was too high to be consistent with this variant causing disease. Therefore, this variant is classified as benign.

Institute for Biomarker Research, Medical Diagnostic Laboratories, L.L.C.
Classification: Likely benign for Hereditary cancer-predisposing syndrome. Last evaluated: 2017-02-14. Review status: criteria provided, single submitter. Criteria: ACMG Guidelines, 2015. Collection method: clinical testing. Allele origin: germline. Not counted in ClinVar's aggregate classification.

Center for Pediatric Genomic Medicine, Children's Mercy Hospital and Clinics
Classification: Likely benign. Last evaluated: 2015-09-28. Review status: criteria provided, single submitter. Criteria: ACMG Guidelines, 2015. Collection method: clinical testing. Allele origin: germline. Not counted in ClinVar's aggregate classification.
ClinVar note: Converted during submission from Likely Benign to Likely benign.

Eurofins Ntd Llc (ga)
Classification: Benign. Last evaluated: 2015-02-27. Review status: criteria provided, single submitter. Criteria: EGL Classification Definitions 2015. Collection method: clinical testing. Allele origin: germline. Observed: 1 variant allele, 1 heterozygote. Not counted in ClinVar's aggregate classification.

Color Diagnostics, LLC DBA Color Health
Classification: Benign for Hereditary cancer-predisposing syndrome. Last evaluated: 2014-12-08. Review status: criteria provided, single submitter. Criteria: ACMG Guidelines, 2015. Collection method: clinical testing. Allele origin: germline. Not counted in ClinVar's aggregate classification.

Genome Diagnostics Laboratory, University Medical Center Utrecht
Classification: Likely benign for Ataxia-telangiectasia syndrome. Last evaluated: 2014-10-09. Review status: criteria provided, single submitter. Criteria: ACGS Guidelines, 2013. Collection method: clinical testing. Allele origin: germline. Affected: yes. Study: VKGL Data-share Consensus. Not counted in ClinVar's aggregate classification.

Ambry Genetics
Classification: Benign for Hereditary cancer-predisposing syndrome. Last evaluated: 2014-06-19. Review status: criteria provided, single submitter. Criteria: Ambry Variant Classification Scheme 2023. Collection method: clinical testing. Allele origin: germline. Not counted in ClinVar's aggregate classification.

GeneDx
Classification: Benign. Last evaluated: 2013-10-03. Review status: criteria provided, single submitter. Criteria: GeneDx Variant Classification (06012015). Collection method: clinical testing. Allele origin: germline. Affected: yes. Not counted in ClinVar's aggregate classification.
Comment: This variant is considered likely benign or benign based on one or more of the following criteria: it is a conservative change, it occurs at a poorly conserved position in the protein, it is predicted to be benign by multiple in silico algorithms, and/or has population frequency not consistent with disease.

Breakthrough Genomics
Classification: Benign. Review status: criteria provided, single submitter. Criteria: ACMG Guidelines, 2015. Collection method: not provided. Allele origin: germline. Inheritance: Autosomal recessive inheritance. Affected: yes. Not counted in ClinVar's aggregate classification.

PreventionGenetics, part of Exact Sciences
Classification: Benign. Review status: criteria provided, single submitter. Criteria: ACMG Guidelines, 2015. Collection method: clinical testing. Allele origin: germline. Not counted in ClinVar's aggregate classification.

Natera, Inc.
Classification: Benign for Ataxia-telangiectasia. Last evaluated: 2019-11-14. Review status: no assertion criteria provided. Collection method: clinical testing. Allele origin: germline. Not counted in ClinVar's aggregate classification.

True Health Diagnostics
Classification: Likely benign for Hereditary cancer-predisposing syndrome. Last evaluated: 2018-02-14. Review status: no assertion criteria provided. Collection method: clinical testing. Allele origin: germline. Not counted in ClinVar's aggregate classification.

Genome Diagnostics Laboratory, Amsterdam University Medical Center
Classification: Benign for Ataxia-telangiectasia syndrome. Last evaluated: 2015-11-20. Review status: no assertion criteria provided. Criteria: ACGS Guidelines, 2013. Collection method: clinical testing. Allele origin: germline. Affected: yes. Study: VKGL Data-share Consensus. Not counted in ClinVar's aggregate classification.

OMIM
Classification: risk factor for BREAST CANCER, SUSCEPTIBILITY TO. Last evaluated: 2006-06-01. Review status: no assertion criteria provided. Collection method: literature only. Allele origin: germline. Not counted in ClinVar's aggregate classification.

Clinical Genetics Laboratory, Department of Pathology, Netherlands Cancer Institute
Classification: Benign. Review status: no assertion criteria provided. Collection method: clinical testing. Allele origin: germline. Affected: yes. Study: VKGL Data-share Consensus. Not counted in ClinVar's aggregate classification.

Clinical Genetics, Academic Medical Center
Classification: Likely benign. Review status: no assertion criteria provided. Collection method: clinical testing. Allele origin: germline. Affected: yes. Study: VKGL Data-share Consensus. Not counted in ClinVar's aggregate classification.

Department of Pathology and Laboratory Medicine, Sinai Health System
Classification: Benign for Malignant tumor of breast. Review status: no assertion criteria provided. Collection method: clinical testing. Allele origin: unknown. Affected: yes. Study: The Canadian Open Genetics Repository (COGR). Not counted in ClinVar's aggregate classification.
Comment: The ATM p.Ser49Cys variant was identified in 84 of 6116 proband chromosomes (frequency: 0.01) from individuals or families with ataxia telangiectasia and breast cancer and was present in 58 of 7048 control chromosomes (frequency: 0.008) from healthy individuals (Castellvi-Bei 1999, Petereit 2013, Schneider 2006, Stedrick 2006). The variant was identified in dbSNP (rs1800054) as â€šÃ„Ãºwith uncertain significance, other alleleâ€šÃ„Ã¹, ClinVar (classified as benign by Color, Ambry Genetics, Invitae and 6 other submitters and likely benign by True Health Diagnostics, University of Chicago and 5 other submitters) and LOVD 3.0 (observed 10x). The variant was identified in control databases in 2005 of 276,924 chromosomes (12 homozygous) at a frequency of 0.007 increasing the likelihood this could be a low frequency benign variant (Genome Aggregation Database Feb 27, 2017). The variant was observed in the following populations: African in 65 of 24,012 chromosomes (freq: 0.003), Other in 30 of 6462 chromosomes (freq: 0.005), Latino in 105 of 34,412 chromosomes (freq: 0.003), European in 1615 of 126,588 chromosomes (freq: 0.01), Ashkenazi Jewish in 6 of 10,148 chromosomes (freq: 0.0006), Finnish in 67 of 25,760 chromosomes (freq: 0.003) and South Asian in 117 of 30,674 chromosomes (freq: 0.004). The variant was not observed in the East Asian population. The variant was expressed in vitro and had reduced but detectable levels of ATM (Becker-Catania 2000). The p.Ser49 residue is conserved in mammals and computational analyses (PolyPhen-2, SIFT, AlignGVGD, BLOSUM, MutationTaster) provide inconsistent predictions regarding the impact to the protein; this information is not very predictive of pathogenicity. The variant occurs outside of the splicing consensus sequence and in silico or computational prediction software programs (SpliceSiteFinder, MaxEntScan, NNSPLICE, GeneSplicer) do not predict a difference in splicing. In summary, based on the above information this variant meets our laboratory's criteria to be classified as benign.

Joint Genome Diagnostic Labs from Nijmegen and Maastricht, Radboudumc and MUMC+
Classification: Benign. Review status: no assertion criteria provided. Collection method: clinical testing. Allele origin: germline. Affected: yes. Study: VKGL Data-share Consensus. Not counted in ClinVar's aggregate classification.

Laboratory of Diagnostic Genome Analysis, Leiden University Medical Center (LUMC)
Classification: Likely benign. Review status: no assertion criteria provided. Collection method: clinical testing. Allele origin: germline. Affected: yes. Study: VKGL Data-share Consensus. Not counted in ClinVar's aggregate classification.

Literature cited by the submitters: PubMed 16652348 (cited by 4 submitters); PubMed 18565893 (cited by Athena Diagnostics and Quest Diagnostics Nichols Institute San Juan Capistrano).